The following is an entry in ClinVar:

NM_006017.3(PROM1):c.1486A>G (p.Ile496Val)

Gene: PROM1 (prominin 1; minus strand). Cytogenetic location: 4p15.32.
Variant type: single nucleotide variant.
Coding change: c.1486A>G on transcript NM_006017.3 (MANE Select); coding-DNA position 1486, A replaced by G.
Protein change: p.Ile496Val; replaces isoleucine 496 with valine.
Molecular consequence: missense variant.
Genome position (GRCh38, 1-based): chr4:16,000,588, T>C on the plus strand (A>G on the coding strand, the complement: PROM1 is on the minus strand). VCF-style: chr4-16000588-T-C. GRCh37 (hg19) VCF-style: chr4-16002211-T-C.
Other names: c.1459A>G, p.Ile487Val (NM_001145847.2, NM_001145848.2, NM_001145851.2 and 4 more transcripts); c.1486A>G, p.Ile496Val (NM_001145849.2, NM_001145850.2); short protein forms I487V, I496V.
Identifiers: ClinVar variation 1386543 (VCV001386543.7), dbSNP rs776578619, ClinGen allele CA2866748.

ClinVar aggregate classification (germline): Uncertain significance. Review status: criteria provided, multiple submitters, no conflicts (2 of 4 stars). 2 submissions from 2 submitters: Uncertain significance (2). Last evaluated 2025-08-20.

Allele frequency attached by ClinVar (database versions not stated): ExAC 0.00001; gnomAD 0.00001; gnomAD exomes 0.00001; TOPMed 0.00002.

Submissions (2):

Labcorp Genetics (formerly Invitae), Labcorp
Classification: Uncertain significance. Last evaluated: 2025-08-20. Review status: criteria provided, single submitter. Criteria: Invitae Variant Classification Sherloc (09022015). Collection method: clinical testing. Allele origin: germline.
Comment: This sequence change replaces isoleucine, which is neutral and non-polar, with valine, which is neutral and non-polar, at codon 496 of the PROM1 protein (p.Ile496Val). This variant is present in population databases (rs776578619, gnomAD 0.003%). This variant has not been reported in the literature in individuals affected with PROM1-related conditions. ClinVar contains an entry for this variant (Variation ID: 1386543). Invitae Evidence Modeling of protein sequence and biophysical properties (such as structural, functional, and spatial information, amino acid conservation, physicochemical variation, residue mobility, and thermodynamic stability) indicates that this missense variant is not expected to disrupt PROM1 protein function with a negative predictive value of 80%. In summary, the available evidence is currently insufficient to determine the role of this variant in disease. Therefore, it has been classified as a Variant of Uncertain Significance.

Blueprint Genetics
Classification: Uncertain significance. Last evaluated: 2017-11-01. Review status: criteria provided, single submitter. Criteria: ACMG Guidelines, 2015. Collection method: clinical testing. Allele origin: germline.